The following is an entry in ClinVar:

NM_001035.3(RYR2):c.4569T>C (p.Asn1523=)

Gene: RYR2 (ryanodine receptor 2; plus strand). Cytogenetic location: 1q43.
Variant type: single nucleotide variant.
Coding change: c.4569T>C on transcript NM_001035.3 (MANE Select); coding-DNA position 4569, T replaced by C.
Protein change: p.Asn1523=; no amino-acid change (asparagine 1523 retained).
Molecular consequence: synonymous variant.
Genome position (GRCh38, 1-based): chr1:237,595,630, T>C. VCF-style: chr1-237595630-T-C. GRCh37 (hg19) VCF-style: chr1-237758930-T-C.
Other names: c.4569T>C (NM_001035.2).
Identifiers: ClinVar variation 2201929 (VCV002201929.30), dbSNP rs776074590, ClinGen allele CA086636.

ClinVar aggregate classification (germline): Likely benign. Review status: criteria provided, multiple submitters, no conflicts (2 of 4 stars). 5 submissions from 5 submitters: Likely benign (5). Last evaluated 2026-04-14.

Conditions:
Cardiovascular phenotype. Identifiers: MedGen CN230736.
Catecholaminergic polymorphic ventricular tachycardia 1. Also called: VENTRICULAR TACHYCARDIA, CATECHOLAMINERGIC POLYMORPHIC, 1, WITH OR WITHOUT ATRIAL DYSFUNCTION AND/OR DILATED CARDIOMYOPATHY; RYR2-Related Catecholaminergic Polymorphic Ventricular Tachycardia; VENTRICULAR TACHYCARDIA, STRESS-INDUCED POLYMORPHIC 1. Identifiers: Orphanet 3286, MedGen C1631597, MONDO:0011484, OMIM 604772.
Catecholaminergic polymorphic ventricular tachycardia (CVPT). Also called: Catecholamine-induced polymorphic ventricular tachycardia. Identifiers: Orphanet 3286, MedGen C5574922, MONDO:0017990.
Cardiomyopathy (CMYO). Also called: Cardiomyopathies. Identifiers: Orphanet 167848, MedGen C0878544, MONDO:0004994, HP:0001638. Inheritance: Various modes of inheritance.

Allele frequency attached by ClinVar (database versions not stated): TOPMed below 0.00001; gnomAD 0.00001; gnomAD exomes 0.00001; ExAC 0.00003.
gnomAD v4.1: 22 of 1,613,282 alleles (0.0014%); highest among the groups gnomAD compares: South Asian, 0.02%; no homozygotes.

Submissions (5):

Ambry Genetics
Classification: Likely benign for Cardiovascular phenotype. Last evaluated: 2026-04-14. Review status: criteria provided, single submitter. Criteria: Ambry Variant Classification Scheme 2023. Collection method: clinical testing. Allele origin: germline.

CeGaT Center for Human Genetics Tuebingen
Classification: Likely benign. Last evaluated: 2023-11-01. Review status: criteria provided, single submitter. Criteria: CeGaT Center For Human Genetics Tuebingen Variant Classification Criteria Version 2. Collection method: clinical testing. Allele origin: germline. Affected: yes. Observed: 2 variant alleles.
Comment: RYR2: BP4, BP7

Labcorp Genetics (formerly Invitae), Labcorp
Classification: Likely benign for Catecholaminergic polymorphic ventricular tachycardia 1. Last evaluated: 2023-05-24. Review status: criteria provided, single submitter. Criteria: Invitae Variant Classification Sherloc (09022015). Collection method: clinical testing. Allele origin: germline.

All of Us Research Program, National Institutes of Health
Classification: Likely benign for Catecholaminergic polymorphic ventricular tachycardia. Last evaluated: 2023-05-16. Review status: criteria provided, single submitter. Criteria: ACMG Guidelines, 2015. Collection method: clinical testing. Allele origin: germline. Inheritance: Autosomal dominant inheritance. Observed: 1 variant allele, 1 heterozygote.
Comment: This study involves interpretation of variants in research participants for the purpose of population health screening. Participant phenotype was not available at the time of variant classification. Additional details can be found in publication PMID: 35346344, PMCID: PMC8962531

Color Diagnostics, LLC DBA Color Health
Classification: Likely benign for Cardiomyopathy. Last evaluated: 2023-05-03. Review status: criteria provided, single submitter. Criteria: ACMG Guidelines, 2015. Collection method: clinical testing. Allele origin: germline.